The following is an entry in ClinVar:

ClinVar aggregate classification (germline): Likely pathogenic (1 of 4 stars; one submission).

Conditions:
Orofaciodigital syndrome I (OFD1). Also called: Papillon-Leage and Psaume Syndrome; OFDS I; Oral-Facial-Digital Syndrome Type I. Identifiers: Orphanet 2750, MedGen C1510460, MONDO:0010702, OMIM 311200.

Submission:

MVZ Medizinische Genetik Mainz
Classification: Likely pathogenic for Orofaciodigital syndrome I. Last evaluated: 2023-11-13. Review status: criteria provided, single submitter. Criteria: UK Practice Guidelines For Variant Classification V4 01 2020. Collection method: clinical testing. Allele origin: germline. Inheritance: X-linked dominant inheritance. Affected: yes. Observed: 1 variant allele.
Comment: ACMG Criteria: PVS1,PM2_SUP

NM_003611.3(OFD1):c.1802dup (p.Arg602fs)

Gene: OFD1 (OFD1 centriole and centriolar satellite protein; plus strand). Cytogenetic location: Xp22.2.
Variant type: Duplication.
Coding change: c.1802dup on transcript NM_003611.3 (MANE Select); coding-DNA position 1802, one base duplicated (C; older notation c.1802dupC).
Protein change: p.Arg602fs; shifts the reading frame from arginine 602.
Molecular consequence: frameshift variant.
Genome position (GRCh38, 1-based): chrX:13,760,262, C duplicated. VCF-style (leftmost placement, unchanged base first): chrX-13760261-G-GC. GRCh37 (hg19) VCF-style: chrX-13778380-G-GC.
Other names: c.1682dup, p.Arg562fs (NM_001330209.2); c.1382dup, p.Arg462fs (NM_001330210.2); short protein forms R462fs, R562fs, R602fs.
Identifiers: ClinVar variation 3234064 (VCV003234064.1), dbSNP rs2518937760, ClinGen allele CA2825002896.